The following is an entry in ClinVar:

ClinVar aggregate classification (germline): Uncertain significance (1 of 4 stars; one submission).

Conditions:
Inborn genetic diseases. Identifiers: MedGen C0950123, MeSH D030342.

Submission:

Ambry Genetics
Classification: Uncertain significance for Inborn genetic diseases. Last evaluated: 2025-07-12. Review status: criteria provided, single submitter. Criteria: Ambry Variant Classification Scheme 2023. Collection method: clinical testing. Allele origin: germline.
Comment: The p.Y708S variant (also known as c.2123A>C), located in coding exon 8 of the MECOM gene, results from an A to C substitution at nucleotide position 2123. The tyrosine at codon 708 is replaced by serine, an amino acid with dissimilar properties. This amino acid position is conserved. In addition, the in silico prediction for this alteration is inconclusive. Based on the available evidence, the clinical significance of this variant remains unclear.

NM_004991.4(MECOM):c.2123A>C (p.Tyr708Ser)

Gene: MECOM (MDS1 and EVI1 complex locus; minus strand). Cytogenetic location: 3q26.2.
Variant type: single nucleotide variant.
Coding change: c.2123A>C on transcript NM_004991.4 (MANE Select); coding-DNA position 2123, A replaced by C.
Protein change: p.Tyr708Ser; replaces tyrosine 708 with serine.
Molecular consequence: missense variant.
Genome position (GRCh38, 1-based): chr3:169,115,749, T>G on the plus strand (A>C on the coding strand, the complement: MECOM is on the minus strand). VCF-style: chr3-169115749-T-G. GRCh37 (hg19) VCF-style: chr3-168833537-T-G.
Other names: c.1559A>C, p.Tyr520Ser (NM_001164000.2, NM_001205194.2, NM_001366469.2 and 4 more transcripts); c.2123A>C, p.Tyr708Ser (NM_001366466.2); c.1562A>C, p.Tyr521Ser (NM_001366467.2, NM_001366468.2, NM_001366470.2 and 1 more transcripts); c.1151A>C, p.Tyr384Ser (NM_001366473.2); c.587A>C, p.Tyr196Ser (NM_001366474.2); c.1754A>C, p.Tyr585Ser (NM_001105077.4); short protein forms Y196S, Y521S, Y708S, Y384S, Y520S, Y585S.
Identifiers: ClinVar variation 4105765 (VCV004105765.1).